The following is an entry in ClinVar:

ClinVar aggregate classification (germline): Pathogenic/Likely pathogenic. Review status: criteria provided, multiple submitters, no conflicts (2 of 4 stars). 3 submissions from 3 submitters: Pathogenic (2); Likely pathogenic (1). Last evaluated 2024-04-19.

Conditions:
Bardet-Biedl syndrome (BBS). Identifiers: Orphanet 110, MedGen C0752166, MONDO:0015229.
Bardet-Biedl syndrome 10 (BBS10). Identifiers: Orphanet 110, MedGen C1859568, MONDO:0014438, OMIM 615987.

Submissions (3):

3billion
Classification: Likely pathogenic for Bardet-Biedl syndrome 10. Last evaluated: 2024-04-19. Review status: criteria provided, single submitter. Criteria: ACMG Guidelines, 2015. Collection method: clinical testing. Allele origin: germline. Affected: yes.
Comment: The variant is not observed in the gnomAD v4.0.0 dataset. Predicted Consequence/Location: Frameshift: predicted to result in a loss or disruption of normal protein function through protein truncation. The predicted truncated protein may be shortened by more than 10%. The variant has been reported at least twice as pathogenic without evidence for the classification (ClinVar ID: VCV001333503 /PMID: 36703223). Therefore, this variant is classified as Likely pathogenic according to the recommendation of ACMG/AMP guideline.

Dubai Health Genomic Medicine Center, Dubai Health
Classification: Pathogenic. Last evaluated: 2022-12-17. Review status: criteria provided, single submitter. Criteria: ACMG Guidelines, 2015. Collection method: clinical testing. Allele origin: germline. Affected: yes.

Labcorp Genetics (formerly Invitae), Labcorp
Classification: Pathogenic for Bardet-Biedl syndrome. Last evaluated: 2022-10-23. Review status: criteria provided, single submitter. Criteria: Invitae Variant Classification Sherloc (09022015). Collection method: clinical testing. Allele origin: germline.
Comment: This sequence change creates a premature translational stop signal (p.Ser269Hisfs*34) in the BBS10 gene. While this is not anticipated to result in nonsense mediated decay, it is expected to disrupt the last 455 amino acid(s) of the BBS10 protein. This variant is not present in population databases (gnomAD no frequency). This variant has not been reported in the literature in individuals affected with BBS10-related conditions. ClinVar contains an entry for this variant (Variation ID: 1333503). This variant disrupts a region of the BBS10 protein in which other variant(s) (p.Val707*) have been determined to be pathogenic (PMID: 20472660, 22773737, 25982971, 27486776). This suggests that this is a clinically significant region of the protein, and that variants that disrupt it are likely to be disease-causing. For these reasons, this variant has been classified as Pathogenic.

Literature cited by the submitters: PubMed 36703223 (cited by 3billion); PubMed 20472660 (cited by Labcorp Genetics (formerly Invitae), Labcorp); PubMed 22773737 (cited by Labcorp Genetics (formerly Invitae), Labcorp); PubMed 25982971 (cited by Labcorp Genetics (formerly Invitae), Labcorp); PubMed 27486776 (cited by Labcorp Genetics (formerly Invitae), Labcorp).

NM_024685.4(BBS10):c.804_805del (p.Ser269fs)

Gene: BBS10 (Bardet-Biedl syndrome 10; minus strand). Cytogenetic location: 12q21.2.
Variant type: Deletion.
Coding change: c.804_805del on transcript NM_024685.4 (MANE Select); coding-DNA positions 804 to 805, 2 bases deleted (TT; older notation c.804_805delTT).
Protein change: p.Ser269fs; shifts the reading frame from serine 269.
Molecular consequence: frameshift variant.
Genome position (GRCh38, 1-based): chr12:76,347,180-76,347,181, AA deleted on the plus strand (TT on the coding strand, the reverse complement: BBS10 is on the minus strand); deleting any 2 consecutive bases within chr12:76,347,180-76,347,185 gives the same sequence; the c. name uses the placement nearest the transcript's 3' end. VCF-style (leftmost placement, unchanged base first): chr12-76347179-GAA-G. GRCh37 (hg19) VCF-style: chr12-76740959-GAA-G.
Other names: short protein forms S269fs.
Identifiers: ClinVar variation 1333503 (VCV001333503.9), dbSNP rs1472533012, ClinGen allele CA2573053759.
Genomic context (GRCh38, chr12:76,347,179, plus strand): 5'-CAAAATTGAGATGTCTGAAACTGTGCTTCTGAATTTAGAATAAACTCTGATCCAGAAGTG[GAA>G]AAAAGAGGCTGAATGGTTTCTGTTACTATCACCATTCGCATGTCACCATCTGCTGGGCGG-3'